The following is an entry in ClinVar:

NM_198282.4(STING1):c.344del (p.Pro115fs)

Genes: STING1 (stimulator of interferon response cGAMP interactor 1; minus strand), LOC123522803 (Sharpr-MPRA regulatory region 11914; plus strand). Cytogenetic location: 5q31.2.
Variant type: Deletion.
Coding change: c.344del on transcript NM_198282.4 (MANE Select); coding-DNA position 344, one base deleted (C; older notation c.344delC).
Protein change: p.Pro115fs; shifts the reading frame from proline 115.
Molecular consequence: frameshift variant. On other transcripts: 5 prime UTR variant (1).
Genome position (GRCh38, 1-based): chr5:139,481,226, G deleted on the plus strand (C on the coding strand, the reverse complement: STING1 is on the minus strand); the first of 3 consecutive G bases (chr5:139,481,226-139,481,228); deleting any one gives the same sequence. VCF-style (leftmost placement, unchanged base first): chr5-139481225-CG-C. GRCh37 (hg19) VCF-style: chr5-138860810-CG-C.
Other names: c.344del, p.Pro115fs (NM_001301738.2); c.-14del (NM_001367258.1); short protein forms P115fs.
Identifiers: ClinVar variation 1312069 (VCV001312069.2), dbSNP rs2152094345, ClinGen allele CA2573052437.

ClinVar aggregate classification (germline): Uncertain significance (1 of 4 stars; one submission).

Submission:

GeneDx
Classification: Uncertain significance. Last evaluated: 2019-09-18. Review status: criteria provided, single submitter. Criteria: GeneDx Variant Classification Process June 2021. Collection method: clinical testing. Allele origin: germline. Affected: yes.
Comment: Not observed in large population cohorts (Lek et al., 2016); Frameshift variant predicted to result in protein truncation or nonsense mediated decay in a gene for which loss-of-function is not a known mechanism of disease; Has not been previously published as pathogenic or benign to our knowledge